The following is an entry in ClinVar:

ClinVar aggregate classification (germline): Uncertain significance (1 of 4 stars; one submission).

Allele frequency attached by ClinVar (database versions not stated): gnomAD 0.00001; TOPMed 0.00001; ExAC 0.00002.
gnomAD v4.1: 15 of 1,613,238 alleles (0.00093%); highest among the groups gnomAD compares: Admixed American, 0.0017%; no homozygotes.

Submission:

Labcorp Genetics (formerly Invitae), Labcorp
Classification: Uncertain significance. Last evaluated: 2022-01-07. Review status: criteria provided, single submitter. Criteria: Invitae Variant Classification Sherloc (09022015). Collection method: clinical testing. Allele origin: germline.
Comment: This sequence change replaces valine, which is neutral and non-polar, with alanine, which is neutral and non-polar, at codon 488 of the DENND5A protein (p.Val488Ala). This variant is present in population databases (rs780673118, gnomAD 0.003%). This variant has not been reported in the literature in individuals affected with DENND5A-related conditions. Algorithms developed to predict the effect of missense changes on protein structure and function are either unavailable or do not agree on the potential impact of this missense change (SIFT: "Deleterious"; PolyPhen-2: "Benign"; Align-GVGD: "Class C0"). In summary, the available evidence is currently insufficient to determine the role of this variant in disease. Therefore, it has been classified as a Variant of Uncertain Significance.

NM_015213.4(DENND5A):c.1463T>C (p.Val488Ala)

Gene: DENND5A (DENN domain containing 5A; minus strand). Cytogenetic location: 11p15.4.
Variant type: single nucleotide variant.
Coding change: c.1463T>C on transcript NM_015213.4 (MANE Select); coding-DNA position 1463, T replaced by C.
Protein change: p.Val488Ala; replaces valine 488 with alanine.
Molecular consequence: missense variant. On other transcripts: non-coding transcript variant (1).
Genome position (GRCh38, 1-based): chr11:9,179,066, A>G on the plus strand (T>C on the coding strand, the complement: DENND5A is on the minus strand). VCF-style: chr11-9179066-A-G. GRCh37 (hg19) VCF-style: chr11-9200613-A-G.
Other names: c.1463T>C, p.Val488Ala (NM_001243254.2, NM_001348748.1); c.1391T>C, p.Val464Ala (NM_001348749.2); c.1175T>C, p.Val392Ala (NM_001348750.2); short protein forms V488A, V464A, V392A.
Identifiers: ClinVar variation 1932670 (VCV001932670.2), dbSNP rs780673118, ClinGen allele CA5877582.